The following is an entry in ClinVar:

NM_000059.4(BRCA2):c.4090A>C (p.Ile1364Leu)

Gene: BRCA2 (BRCA2 DNA repair associated; plus strand). Cytogenetic location: 13q13.1.
Variant type: single nucleotide variant.
Coding change: c.4090A>C on transcript NM_000059.4 (MANE Select); coding-DNA position 4090, A replaced by C.
Protein change: p.Ile1364Leu; replaces isoleucine 1364 with leucine.
Molecular consequence: missense variant.
Genome position (GRCh38, 1-based): chr13:32,338,445, A>C. VCF-style: chr13-32338445-A-C. GRCh37 (hg19) VCF-style: chr13-32912582-A-C.
Other names: 4318 A>C; NP_000050.3:p.Ile1364Leu; short protein forms I1364L.
Identifiers: ClinVar variation 51592 (VCV000051592.122), dbSNP rs56248502, ClinGen allele CA019496.

ClinVar aggregate classification (germline): Benign. Review status: reviewed by expert panel (3 of 4 stars). 36 submissions from 34 submitters: Benign (1). 35 of the submissions do not count toward it. Last evaluated 2015-01-12.

Conditions:
Hereditary cancer-predisposing syndrome. Also called: Tumor predisposition; Neoplastic Syndromes, Hereditary; Hereditary neoplastic syndrome; Hereditary Cancer Syndrome. Identifiers: Orphanet 140162, MedGen C0027672, MeSH D009386, MONDO:0015356.
Breast and/or ovarian cancer. Identifiers: MedGen CN221562.
Hereditary breast ovarian cancer syndrome. Also called: Hereditary breast and ovarian cancer; BRCA1- and BRCA2-Associated Hereditary Breast and Ovarian Cancer; Hereditary breast and/or ovarian cancer syndrome; Hereditary breast and ovarian cancer syndrome; Breast and ovarian cancer; Hereditary breast and ovarian cancer syndrome (HBOC). Identifiers: Orphanet 145, MedGen C0677776, MeSH D061325, MONDO:0003582. Disease mechanism: loss of function.
Fanconi anemia complementation group D1. Also called: BRCA2-Related Fanconi Anemia. Identifiers: Orphanet 319462, MedGen C1838457, MONDO:0011584, OMIM 605724.
Breast-ovarian cancer, familial, susceptibility to, 2 (BROVCA2). Also called: BRCA2 Hereditary Breast and Ovarian Cancer. Identifiers: Orphanet 145, MedGen C2675520, MONDO:0012933, OMIM 612555. Disease mechanism: loss of function.
Familial cancer of breast. Also called: BREAST CANCER, FAMILIAL; hereditary breast carcinoma; Hereditary breast cancer. Identifiers: Orphanet 227535, MedGen C0346153, MONDO:0016419, OMIM 114480. Disease mechanism: loss of function.

Allele frequency attached by ClinVar (database versions not stated): ExAC 0.00172; 1000 Genomes Project 0.00439; 1000 Genomes Project 30x 0.00468; TOPMed 0.00562; ESP Exome Variant Server 0.00631.
gnomAD v4.1: 1,449 of 1,611,934 alleles (0.09%); highest among the groups gnomAD compares: African/African-American, 1.7%; 15 homozygotes.

Submissions 1 to 21 of 36:

Evidence-based Network for the Interpretation of Germline Mutant Alleles (ENIGMA)
Classification: Benign for Breast-ovarian cancer, familial 2. Last evaluated: 2015-01-12. Review status: reviewed by expert panel. Criteria: ENIGMA BRCA1/2 Classification Criteria (2015). Collection method: curation. Allele origin: germline.
Comment: Class 1 not pathogenic based on frequency >1% in an outbred sampleset. Frequency 0.02236 (African), derived from 1000 genomes (2012-04-30).

Labcorp Genetics (formerly Invitae), Labcorp
Classification: Benign for Hereditary breast ovarian cancer syndrome. Last evaluated: 2026-02-03. Review status: criteria provided, single submitter. Criteria: Invitae Variant Classification Sherloc (09022015). Collection method: clinical testing. Allele origin: germline. Not counted in ClinVar's aggregate classification.

ARUP Laboratories, Molecular Genetics and Genomics, ARUP Laboratories
Classification: Benign. Last evaluated: 2025-05-19. Review status: criteria provided, single submitter. Criteria: ARUP Molecular Germline Variant Investigation Process 2024. Collection method: clinical testing. Allele origin: germline. Not counted in ClinVar's aggregate classification.

Center for Genomic Medicine, Rigshospitalet, Copenhagen University Hospital
Classification: Benign. Last evaluated: 2025-03-04. Review status: criteria provided, single submitter. Criteria: ACMG Guidelines, 2015. Collection method: clinical testing. Allele origin: germline. Not counted in ClinVar's aggregate classification.

KCCC/NGS Laboratory, Kuwait Cancer Control Center
Classification: Benign for Familial cancer of breast. Last evaluated: 2025-02-01. Review status: criteria provided, single submitter. Criteria: ACMG Guidelines, 2015. Collection method: clinical testing. Allele origin: germline. Affected: no. Not counted in ClinVar's aggregate classification.

Blueprint Genetics
Classification: Likely benign. Last evaluated: 2024-10-08. Review status: criteria provided, single submitter. Criteria: ACMG Guidelines, 2015. Collection method: clinical testing. Allele origin: germline. Not counted in ClinVar's aggregate classification.

All of Us Research Program, National Institutes of Health
Classification: Benign for Breast-ovarian cancer, familial, susceptibility to, 2. Last evaluated: 2024-02-05. Review status: criteria provided, single submitter. Criteria: ACMG Guidelines, 2015. Collection method: clinical testing. Allele origin: germline. Inheritance: Autosomal dominant inheritance. Observed: 311 variant alleles, 310 heterozygotes, 1 homozygote. Not counted in ClinVar's aggregate classification.
Comment: This study involves interpretation of variants in research participants for the purpose of population health screening. Participant phenotype was not available at the time of variant classification. Additional details can be found in publication PMID: 35346344, PMCID: PMC8962531

KCCC/NGS Laboratory, Kuwait Cancer Control Center
Classification: Benign for Breast-ovarian cancer, familial, susceptibility to, 2. Last evaluated: 2023-07-07. Review status: criteria provided, single submitter. Criteria: ACMG Guidelines, 2015. Collection method: clinical testing. Allele origin: germline. Affected: yes. Not counted in ClinVar's aggregate classification.

National Health Laboratory Service, Universitas Academic Hospital and University of the Free State
Classification: Benign for Hereditary breast ovarian cancer syndrome. Last evaluated: 2022-04-19. Review status: criteria provided, single submitter. Criteria: ACMG Guidelines, 2015. Collection method: clinical testing. Allele origin: germline. Affected: yes. Observed: 73 variant alleles. Not counted in ClinVar's aggregate classification.

Genetics Program, Instituto Nacional de Cancer
Classification: Benign for Hereditary breast ovarian cancer syndrome. Last evaluated: 2021-11-01. Review status: criteria provided, single submitter. Criteria: ACMG Guidelines, 2015. Collection method: research. Allele origin: germline. Affected: yes. Not counted in ClinVar's aggregate classification.

Illumina Laboratory Services, Illumina
Classification: Likely benign for Breast-ovarian cancer, familial, susceptibility to, 2. Last evaluated: 2018-11-01. Review status: criteria provided, single submitter. Criteria: ICSL Variant Classification Criteria 13 December 2019. Collection method: clinical testing. Allele origin: germline. Not counted in ClinVar's aggregate classification.
Comment: This variant was observed as part of a predisposition screen in an ostensibly healthy population. A literature search was performed for the gene, cDNA change, and amino acid change (where applicable). Publications were found based on this search. The evidence from the literature, in combination with allele frequency data from public databases where available, was sufficient to determine this variant is unlikely to cause disease. Therefore, this variant is classified as likely benign.

Illumina Laboratory Services, Illumina
Classification: Likely benign for Fanconi anemia complementation group D1. Last evaluated: 2018-11-01. Review status: criteria provided, single submitter. Criteria: ICSL Variant Classification Criteria 13 December 2019. Collection method: clinical testing. Allele origin: germline. Not counted in ClinVar's aggregate classification.
Comment: This variant was observed as part of a predisposition screen in an ostensibly healthy population. A literature search was performed for the gene, cDNA change, and amino acid change (where applicable). No publications were found based on this search. Allele frequency data from public databases allowed determination this variant is unlikely to cause disease. Therefore, this variant is classified as likely benign.

Genetic Services Laboratory, University of Chicago
Classification: Benign. Last evaluated: 2017-11-08. Review status: criteria provided, single submitter. Criteria: ACMG Guidelines, 2015. Collection method: clinical testing. Allele origin: germline. Affected: no. Not counted in ClinVar's aggregate classification.

Genome Diagnostics Laboratory, University Medical Center Utrecht
Classification: Benign for Breast-ovarian cancer, familial, susceptibility to, 2. Last evaluated: 2017-07-28. Review status: criteria provided, single submitter. Criteria: ACGS Guidelines, 2013. Collection method: clinical testing. Allele origin: germline. Affected: yes. Study: VKGL Data-share Consensus. Not counted in ClinVar's aggregate classification.

Institute for Biomarker Research, Medical Diagnostic Laboratories, L.L.C.
Classification: Likely benign for Hereditary cancer-predisposing syndrome. Last evaluated: 2017-07-12. Review status: criteria provided, single submitter. Criteria: ACMG Guidelines, 2015. Collection method: clinical testing. Allele origin: germline. Not counted in ClinVar's aggregate classification.

Clinical Genetics DNA and cytogenetics Diagnostics Lab, Erasmus MC, Erasmus Medical Center
Classification: Benign for Breast-ovarian cancer, familial, susceptibility to, 2. Last evaluated: 2017-05-31. Review status: criteria provided, single submitter. Criteria: ACGS Guidelines, 2013. Collection method: clinical testing. Allele origin: germline. Affected: yes. Study: VKGL Data-share Consensus. Not counted in ClinVar's aggregate classification.

Baylor Genetics
Classification: Benign for Familial cancer of breast. Last evaluated: 2017-02-23. Review status: criteria provided, single submitter. Criteria: ACMG Guidelines, 2015. Collection method: clinical testing. Allele origin: germline. Inheritance: Autosomal dominant inheritance. Affected: no. Not counted in ClinVar's aggregate classification.

PreventionGenetics, part of Exact Sciences
Classification: Benign. Last evaluated: 2016-11-22. Review status: criteria provided, single submitter. Criteria: ACMG Guidelines, 2015. Collection method: clinical testing. Allele origin: germline. Not counted in ClinVar's aggregate classification.

Molecular Genetics Laboratory, University of Michigan
Classification: Benign for Breast-ovarian cancer, familial, susceptibility to, 2. Last evaluated: 2016-04-21. Review status: criteria provided, single submitter. Criteria: ACMG Guidelines, 2015. Collection method: clinical testing. Allele origin: germline. Affected: yes. Not counted in ClinVar's aggregate classification.

CHEO Genetics Diagnostic Laboratory, Children's Hospital of Eastern Ontario
Classification: Benign for Breast and/or ovarian cancer. Last evaluated: 2016-03-08. Review status: criteria provided, single submitter. Criteria: ACMG Guidelines, 2015. Collection method: clinical testing. Allele origin: germline. Study: Canadian Open Genetics Repository. Not counted in ClinVar's aggregate classification.

Color Diagnostics, LLC DBA Color Health
Classification: Benign for Hereditary cancer-predisposing syndrome. Last evaluated: 2015-03-06. Review status: criteria provided, single submitter. Criteria: ACMG Guidelines, 2015. Collection method: clinical testing. Allele origin: germline. Not counted in ClinVar's aggregate classification.